The following is an entry in ClinVar:

NM_004996.4(ABCC1):c.1211A>G (p.Tyr404Cys)

Gene: ABCC1 (ATP binding cassette subfamily C member 1 (ABCC1 blood group); plus strand). Cytogenetic location: 16p13.11.
Variant type: single nucleotide variant.
Coding change: c.1211A>G on transcript NM_004996.4 (MANE Select); coding-DNA position 1211, A replaced by G.
Protein change: p.Tyr404Cys; replaces tyrosine 404 with cysteine.
Molecular consequence: missense variant.
Genome position (GRCh38, 1-based): chr16:16,046,006, A>G. VCF-style: chr16-16046006-A-G. GRCh37 (hg19) VCF-style: chr16-16139863-A-G.
Other names: c.1211A>G, p.Tyr404Cys (NM_001438755.1, NM_019862.3, NM_019898.3 and 3 more transcripts); c.1085A>G, p.Tyr362Cys (NM_019901.2, NM_001438715.1, NM_001438719.1); c.947A>G, p.Tyr316Cys (NM_001438717.1); c.1073A>G, p.Tyr358Cys (NM_001438718.1); short protein forms Y358C, Y362C, Y316C, Y404C.
Identifiers: ClinVar variation 5005508 (VCV005005508.2).
Genomic context (GRCh38, chr16:16,046,006, plus strand): 5'-ACTTCCACATCTGCTTCGTCAGTGGCATGAGGATCAAGACCGCTGTCATTGGGGCTGTCT[A>G]TCGGAAGGTAGGGGACGCTGTGCCATTGGCATGTGGCCCGACTTCCACATCCCCTCCTGC-3'
Protein context (NP_004987.2, residues 394-414): RIKTAVIGAV[Tyr404Cys]RKALVITNSA

ClinVar aggregate classification (germline): Uncertain significance (1 of 4 stars; one submission).

Conditions:
Hearing loss, autosomal dominant 77. Also called: DEAFNESS, AUTOSOMAL DOMINANT 77. Identifiers: MedGen C5394499, MONDO:0030058, OMIM 618915.

gnomAD v4.1: 2 of 1,614,040 alleles (0.00012%); highest among the groups gnomAD compares: East Asian, 0.0022%; no homozygotes.

Submission:

Juno Genomics, Hangzhou Juno Genomics, Inc
Classification: Uncertain significance for Hearing loss, autosomal dominant 77. Review status: criteria provided, single submitter. Criteria: ACMG Guidelines, 2015. Collection method: clinical testing. Allele origin: germline.
Comment: Absent from controls (or at extremely low frequency if recessive) in Genome Aggregation Database.;Multiple lines of computational evidence support a deleterious effect on the gene or gene product.